The following is an entry in ClinVar:

ClinVar aggregate classification (germline): Uncertain significance (1 of 4 stars; one submission).

gnomAD v4.1: 2 of 1,197,993 alleles (0.00017%); highest among the groups gnomAD compares: African/African-American, 0.0018%; no homozygotes.

Submission:

GeneDx
Classification: Uncertain significance. Last evaluated: 2025-10-27. Review status: criteria provided, single submitter. Criteria: GeneDx Variant Classification Process June 2021. Collection method: clinical testing. Allele origin: germline.
Comment: In silico analysis supports that this missense variant has a deleterious effect on protein structure/function; Has not been previously published as pathogenic or benign to our knowledge

NM_016120.4(RLIM):c.147T>G (p.Asp49Glu)

Gene: RLIM (ring finger protein, LIM domain interacting; minus strand). Cytogenetic location: Xq13.2.
Variant type: single nucleotide variant.
Coding change: c.147T>G on transcript NM_016120.4 (MANE Select); coding-DNA position 147, T replaced by G.
Protein change: p.Asp49Glu; replaces aspartic acid 49 with glutamic acid.
Molecular consequence: missense variant.
Genome position (GRCh38, 1-based): chrX:74,595,831, A>C on the plus strand (T>G on the coding strand, the complement: RLIM is on the minus strand). VCF-style: chrX-74595831-A-C. GRCh37 (hg19) VCF-style: chrX-73815666-A-C.
Other names: c.147T>G, p.Asp49Glu (NM_183353.3); short protein forms D49E.
Identifiers: ClinVar variation 3384556 (VCV003384556.2).